The following is an entry in ClinVar:

ClinVar aggregate classification (germline): Uncertain significance. Review status: criteria provided, single submitter (1 of 4 stars). 2 submissions from 2 submitters: Uncertain significance (1). 1 of the submissions does not count toward it. Last evaluated 2023-10-06.

Conditions:
Fanconi anemia (FA). Also called: Fanconi's anemia. Identifiers: Orphanet 84, MedGen C0015625, MeSH D005199, MONDO:0019391.
Fanconi anemia complementation group A (FANCA). Also called: FANCA-Related Fanconi Anemia; Fanconi anemia, group A. Identifiers: Orphanet 84, MedGen C3469521, MONDO:0009215, OMIM 227650.

Allele frequency attached by ClinVar (database versions not stated): gnomAD exomes below 0.00001.
gnomAD v4.1: 3 of 1,614,182 alleles (0.00019%); highest among the groups gnomAD compares: Non-Finnish European, 0.00025%; no homozygotes.

Submissions (2):

Labcorp Genetics (formerly Invitae), Labcorp
Classification: Uncertain significance for Fanconi anemia. Last evaluated: 2023-10-06. Review status: criteria provided, single submitter. Criteria: Invitae Variant Classification Sherloc (09022015). Collection method: clinical testing. Allele origin: germline.
Comment: This sequence change replaces tryptophan, which is neutral and slightly polar, with arginine, which is basic and polar, at codon 1302 of the FANCA protein (p.Trp1302Arg). This variant is not present in population databases (gnomAD no frequency). This missense change has been observed in individual(s) with Fanconi anemia (PMID: 9371798). ClinVar contains an entry for this variant (Variation ID: 237052). Advanced modeling of protein sequence and biophysical properties (such as structural, functional, and spatial information, amino acid conservation, physicochemical variation, residue mobility, and thermodynamic stability) performed at Invitae indicates that this missense variant is expected to disrupt FANCA protein function. Experimental studies have shown that this missense change affects FANCA function (PMID: 12444097, 17327415). In summary, the available evidence is currently insufficient to determine the role of this variant in disease. Therefore, it has been classified as a Variant of Uncertain Significance.

Leiden Open Variation Database
Classification: Pathogenic for Fanconi anemia complementation group A. Last evaluated: 2020-02-28. Review status: no assertion criteria provided. Collection method: curation. Allele origin: germline. Affected: yes. Not counted in ClinVar's aggregate classification.
Comment: Curator: Arleen D. Auerbach. Submitter to LOVD: Arleen D. Auerbach.

Literature cited by the submitters: PubMed 9371798 (cited by Labcorp Genetics (formerly Invitae), Labcorp); PubMed 12444097 (cited by Labcorp Genetics (formerly Invitae), Labcorp and Leiden Open Variation Database); PubMed 17327415 (cited by Labcorp Genetics (formerly Invitae), Labcorp).

NM_000135.4(FANCA):c.3904T>C (p.Trp1302Arg)

Genes: FANCA (FA complementation group A; minus strand), ZNF276 (zinc finger protein 276; plus strand). Cytogenetic location: 16q24.3.
Variant type: single nucleotide variant.
Coding change: c.3904T>C on transcript NM_000135.4 (MANE Select); coding-DNA position 3904, T replaced by C.
Protein change: p.Trp1302Arg; replaces tryptophan 1302 with arginine.
Molecular consequence: missense variant. On other transcripts: 3 prime UTR variant (2), non-coding transcript variant (4).
Genome position (GRCh38, 1-based): chr16:89,740,024, A>G on the plus strand (T>C on the coding strand, the complement: FANCA is on the minus strand). VCF-style: chr16-89740024-A-G. GRCh37 (hg19) VCF-style: chr16-89806432-A-G.
Other names: c.3904T>C, p.Trp1302Arg (NM_001286167.3); c.*1778A>G (NM_001113525.2, NM_152287.4); short protein forms W1302R.
Identifiers: ClinVar variation 237052 (VCV000237052.10), dbSNP rs878853665, ClinGen allele CA10583435.
Genomic context (GRCh38, chr16:89,740,024, plus strand): 5'-GCATTTGTGCCTCAGCAGCGTGTTTCTTACCACTCTCTGTCAACTGAAAGAGTGCCAGCC[A>G]GGATATCTTCCTCTTCTCTAAACACTCGAGGATTGCTGCACAAACGTGGAAAGCCTTTGG-3'
Protein context (NP_000126.2, residues 1292-1312): LECLEKRKIS[Trp1302Arg]LALFQLTESD